The following is an entry in ClinVar:

NM_005357.4(LIPE):c.1731G>A (p.Met577Ile)

Genes: LIPE (lipase E, hormone sensitive type; minus strand), LIPE-AS1 (LIPE antisense RNA 1; plus strand), LOC101930071 (uncharacterized LOC101930071; plus strand). Cytogenetic location: 19q13.2.
Variant type: single nucleotide variant.
Coding change: c.1731G>A on transcript NM_005357.4 (MANE Select); coding-DNA position 1731, G replaced by A.
Protein change: p.Met577Ile; replaces methionine 577 with isoleucine.
Molecular consequence: missense variant.
Genome position (GRCh38, 1-based): chr19:42,407,717, C>T on the plus strand (G>A on the coding strand, the complement: LIPE is on the minus strand). VCF-style: chr19-42407717-C-T. GRCh37 (hg19) VCF-style: chr19-42911869-C-T.
Other names: c.981G>A, p.Met327Ile (NM_001416100.1); c.966G>A, p.Met322Ile (NM_001416101.1, NM_001416105.1); c.861G>A, p.Met287Ile (NM_001416102.1, NM_001416106.1); c.828G>A, p.Met276Ile (NM_001416103.1, NM_001416104.1); c.372G>A, p.Met124Ile (NM_001416107.1); c.90G>A, p.Met30Ile (NM_001416108.1); c.1731G>A (NM_005357.3); short protein forms M577I, M124I, M276I, M327I, M287I, M30I, M322I.
Identifiers: ClinVar variation 4623688 (VCV004623688.2).

ClinVar aggregate classification (germline): Uncertain significance. Review status: criteria provided, multiple submitters, no conflicts (2 of 4 stars). 2 submissions from 2 submitters: Uncertain significance (2). Last evaluated 2026-02-07.

Conditions:
LIPE-related disorder. Also called: LIPE-related condition.
Inborn genetic diseases. Identifiers: MedGen C0950123, MeSH D030342.

gnomAD v4.1: 344 of 1,580,356 alleles (0.022%); highest among the groups gnomAD compares: Non-Finnish European, 0.028%; no homozygotes.

Submissions (2):

PreventionGenetics, part of Exact Sciences
Classification: Uncertain significance for LIPE-related condition. Last evaluated: 2026-02-07. Review status: criteria provided, single submitter. Criteria: ACMG Guidelines, 2015. Collection method: clinical testing. Allele origin: germline.
Comment: The LIPE c.1731G>A variant is predicted to result in the amino acid substitution p.Met577Ile. To our knowledge, this variant has not been reported in the literature. This variant is reported in 0.030% of alleles in individuals of European (Finnish) descent in gnomAD. At this time, the clinical significance of this variant is uncertain due to the absence of conclusive functional and genetic evidence.

Ambry Genetics
Classification: Uncertain significance for Inborn genetic diseases. Last evaluated: 2025-10-29. Review status: criteria provided, single submitter. Criteria: Ambry Variant Classification Scheme 2023. Collection method: clinical testing. Allele origin: germline.